The following is an entry in ClinVar:

ClinVar aggregate classification (germline): Uncertain significance (1 of 4 stars; one submission).

Submission:

Labcorp Genetics (formerly Invitae), Labcorp
Classification: Uncertain significance. Last evaluated: 2022-04-19. Review status: criteria provided, single submitter. Criteria: Invitae Variant Classification Sherloc (09022015). Collection method: clinical testing. Allele origin: germline.
Comment: This sequence change falls in intron 2 of the A2ML1 gene. It does not directly change the encoded amino acid sequence of the A2ML1 protein. It affects a nucleotide within the consensus splice site. This variant is not present in population databases (gnomAD no frequency). This variant has not been reported in the literature in individuals affected with A2ML1-related conditions. Variants that disrupt the consensus splice site are a relatively common cause of aberrant splicing (PMID: 17576681, 9536098). Algorithms developed to predict the effect of sequence changes on RNA splicing suggest that this variant may disrupt the consensus splice site. In summary, the available evidence is currently insufficient to determine the role of this variant in disease. Therefore, it has been classified as a Variant of Uncertain Significance.

Literature cited by the submitters: PubMed 17576681; PubMed 9536098.

NM_144670.6(A2ML1):c.247-3C>G

Genes: A2ML1 (alpha-2-macroglobulin like 1; plus strand), A2ML1-AS1 (A2ML1 antisense RNA 1; minus strand). Cytogenetic location: 12p13.31.
Variant type: single nucleotide variant.
Coding change: c.247-3C>G on transcript NM_144670.6 (MANE Select); 3 bases into the intron before coding-DNA position 247, C replaced by G.
Molecular consequence: intron variant.
Genome position (GRCh38, 1-based): chr12:8,823,717, C>G. VCF-style: chr12-8823717-C-G. GRCh37 (hg19) VCF-style: chr12-8976313-C-G.
Identifiers: ClinVar variation 2127897 (VCV002127897.4), dbSNP rs1592094800, ClinGen allele CA2015221151.
Genomic context (GRCh38, chr12:8,823,717, plus strand): 5'-AGACCAGTTGATTCTGTTCCCCCAATCCCTTACCCCTCCCCAGAAGTCCCCTTTCTTGGT[C>G]AGGTACCACCTCCTGCTGGTGGCACAGAAGAAGTGGCCACAATCCGGGTGTCGGGAGTTG-3'